The following is an entry in ClinVar:

ClinVar aggregate classification (germline): Conflicting classifications of pathogenicity. Review status: criteria provided, conflicting classifications (1 of 4 stars). 5 submissions from 5 submitters: Uncertain significance (1); Benign (2); Likely benign (2). Last evaluated 2026-04-01.

Conditions:
Cardiovascular phenotype. Identifiers: MedGen CN230736.
Long QT syndrome (LQTS). Identifiers: MedGen C0023976, MeSH D008133, MONDO:0002442. Disease mechanism: loss of function. Inheritance: Various modes of inheritance.
Brugada syndrome 3 (BRGDA3). Identifiers: Orphanet 130, MedGen C2678478, MONDO:0012742, OMIM 611875.

Allele frequency attached by ClinVar (database versions not stated): ExAC 0.00021; gnomAD 0.00029 and 0.00033; gnomAD exomes 0.00036 and 0.00011; ESP Exome Variant Server 0.00008; TOPMed 0.00001.
gnomAD v4.1: 188 of 1,553,566 alleles (0.012%); highest among the groups gnomAD compares: Non-Finnish European, 0.0017%; no homozygotes.

Submissions (5):

CeGaT Center for Human Genetics Tuebingen
Classification: Likely benign. Last evaluated: 2026-04-01. Review status: criteria provided, single submitter. Criteria: CeGaT Center For Human Genetics Tuebingen Variant Classification Criteria Version 2. Collection method: clinical testing. Allele origin: germline. Affected: yes. Observed: 2 variant alleles.
Comment: CACNA1C: BS1

Labcorp Genetics (formerly Invitae), Labcorp
Classification: Benign for Long QT syndrome. Last evaluated: 2025-11-02. Review status: criteria provided, single submitter. Criteria: Invitae Variant Classification Sherloc (09022015). Collection method: clinical testing. Allele origin: germline.

Ambry Genetics
Classification: Benign for Cardiovascular phenotype. Last evaluated: 2025-06-26. Review status: criteria provided, single submitter. Criteria: Ambry Variant Classification Scheme 2023. Collection method: clinical testing. Allele origin: germline.

Blueprint Genetics
Classification: Likely benign. Last evaluated: 2024-10-29. Review status: criteria provided, single submitter. Criteria: ACMG Guidelines, 2015. Collection method: clinical testing. Allele origin: germline.

KardioGenetik, Herz- und Diabeteszentrum NRW
Classification: Uncertain significance for Brugada syndrome 3. Last evaluated: 2024-06-26. Review status: criteria provided, single submitter. Criteria: ACMG Guidelines, 2015. Collection method: clinical testing. Allele origin: unknown. Observed: 1 variant allele.
Comment: PM2, PP3

NM_000719.7(CACNA1C):c.5444G>C (p.Arg1815Thr)

Genes: CACNA1C (calcium voltage-gated channel subunit alpha1 C; plus strand), CACNA1C-AS1 (CACNA1C antisense RNA 1; minus strand). Cytogenetic location: 12p13.33.
Variant type: single nucleotide variant.
Coding change: c.5444G>C on transcript NM_000719.7 (MANE Select); coding-DNA position 5444, G replaced by C.
Protein change: p.Arg1815Thr; replaces arginine 1815 with threonine.
Molecular consequence: missense variant.
Genome position (GRCh38, 1-based): chr12:2,679,796, G>C. VCF-style: chr12-2679796-G-C. GRCh37 (hg19) VCF-style: chr12-2788962-G-C.
Other names: c.5588G>C, p.Arg1863Thr (NM_001129827.2, NM_199460.4); c.5567G>C, p.Arg1856Thr (NM_001129829.2); c.5444G>C, p.Arg1815Thr (NM_001129830.3, NM_001129840.2, NM_001129841.2 and 4 more transcripts); c.5528G>C, p.Arg1843Thr (NM_001129831.2); c.5504G>C, p.Arg1835Thr (NM_001129832.2); c.5501G>C, p.Arg1834Thr (NM_001129833.2, NM_001129834.2, NM_001129835.2); c.5495G>C, p.Arg1832Thr (NM_001129836.2); c.5468G>C, p.Arg1823Thr (NM_001129837.2, NM_001129838.2); and 4 more; short protein forms R1815T, R1823T, R1863T, R1821T, R1832T, R1843T, R1804T, R1834T.
Identifiers: ClinVar variation 180285 (VCV000180285.26), dbSNP rs374425919, ClinGen allele CA346212.
Genomic context (GRCh38, chr12:2,679,796, plus strand): 5'-GGCCCCCCTTGTCCCCTGCCATCCGGGTGCAGGAGGTGGCGTGGAAGCTCAGCTCCAACA[G>C]GTAAGTGGGAGGCTGGCCACCCCAGGCGGCACACAGGGCCCACGTGCTGCAACCCTCAGG-3'
Protein context (NP_000710.5, residues 1805-1825): QEVAWKLSSN[Arg1815Thr]CHSRESQAAM